The following is an entry in ClinVar:

NM_012418.4(FSCN2):c.16C>A (p.Leu6Met)

Gene: FSCN2 (fascin actin-bundling protein 2, retinal; plus strand). Cytogenetic location: 17q25.3.
Variant type: single nucleotide variant.
Coding change: c.16C>A on transcript NM_012418.4 (MANE Select); coding-DNA position 16, C replaced by A.
Protein change: p.Leu6Met; replaces leucine 6 with methionine.
Molecular consequence: missense variant.
Genome position (GRCh38, 1-based): chr17:81,528,547, C>A. VCF-style: chr17-81528547-C-A. GRCh37 (hg19) VCF-style: chr17-79495573-C-A.
Other names: c.16C>A, p.Leu6Met (NM_001077182.3); short protein forms L6M.
Identifiers: ClinVar variation 1368470 (VCV001368470.8), dbSNP rs2143845885, ClinGen allele CA401469261.

ClinVar aggregate classification (germline): Uncertain significance (1 of 4 stars; one submission).

Submission:

Labcorp Genetics (formerly Invitae), Labcorp
Classification: Uncertain significance. Last evaluated: 2022-09-01. Review status: criteria provided, single submitter. Criteria: Invitae Variant Classification Sherloc (09022015). Collection method: clinical testing. Allele origin: germline.
Comment: In summary, the available evidence is currently insufficient to determine the role of this variant in disease. Therefore, it has been classified as a Variant of Uncertain Significance. Algorithms developed to predict the effect of missense changes on protein structure and function are either unavailable or do not agree on the potential impact of this missense change (SIFT: "Tolerated"; PolyPhen-2: "Possibly Damaging"; Align-GVGD: "Class C0"). ClinVar contains an entry for this variant (Variation ID: 1368470). This variant has not been reported in the literature in individuals affected with FSCN2-related conditions. This variant is not present in population databases (gnomAD no frequency). This sequence change replaces leucine, which is neutral and non-polar, with methionine, which is neutral and non-polar, at codon 6 of the FSCN2 protein (p.Leu6Met).